The following is an entry in ClinVar:

NM_001184880.2(PCDH19):c.1936G>C (p.Asp646His)

Gene: PCDH19 (protocadherin 19; minus strand). Cytogenetic location: Xq22.1.
Variant type: single nucleotide variant.
Coding change: c.1936G>C on transcript NM_001184880.2 (MANE Select); coding-DNA position 1936, G replaced by C.
Protein change: p.Asp646His; replaces aspartic acid 646 with histidine.
Molecular consequence: missense variant.
Genome position (GRCh38, 1-based): chrX:100,406,662, C>G on the plus strand (G>C on the coding strand, the complement: PCDH19 is on the minus strand). VCF-style: chrX-100406662-C-G. GRCh37 (hg19) VCF-style: chrX-99661660-C-G.
Other names: c.1936G>C, p.Asp646His (NM_001105243.2, NM_020766.3); short protein forms D646H.
Identifiers: ClinVar variation 1918330 (VCV001918330.5), dbSNP rs1223898969, ClinGen allele CA414001646.

ClinVar aggregate classification (germline): Uncertain significance (1 of 4 stars; one submission).

Conditions:
Developmental and epileptic encephalopathy, 9 (DEE9). Also called: JUBERG-HELLMAN SYNDROME; PCDH19-Related X-Linked Female-Limited Epilepsy with Mental Retardation; Early infantile epileptic encephalopathy 9; EPILEPSY, FEMALE-RESTRICTED, WITH MENTAL RETARDATION. Identifiers: Orphanet 101039, Orphanet 2076, MedGen C1848137, MONDO:0010246, OMIM 300088. Disease mechanism: loss of function.

Submission:

Labcorp Genetics (formerly Invitae), Labcorp
Classification: Uncertain significance for Developmental and epileptic encephalopathy, 9. Last evaluated: 2024-10-15. Review status: criteria provided, single submitter. Criteria: Invitae Variant Classification Sherloc (09022015). Collection method: clinical testing. Allele origin: germline.
Comment: This sequence change replaces aspartic acid, which is acidic and polar, with histidine, which is basic and polar, at codon 646 of the PCDH19 protein (p.Asp646His). This variant is not present in population databases (gnomAD no frequency). This missense change has been observed in individual(s) with clinical features of PCDH19-related conditions (PMID: 32146541). ClinVar contains an entry for this variant (Variation ID: 1918330). Invitae Evidence Modeling of protein sequence and biophysical properties (such as structural, functional, and spatial information, amino acid conservation, physicochemical variation, residue mobility, and thermodynamic stability) indicates that this missense variant is expected to disrupt PCDH19 protein function with a positive predictive value of 95%. In summary, the available evidence is currently insufficient to determine the role of this variant in disease. Therefore, it has been classified as a Variant of Uncertain Significance.

Literature cited by the submitters: PubMed 32146541.